The following is an entry in ClinVar:

NM_001375567.1(FOCAD):c.494+4A>G

Gene: FOCAD (focadhesin; plus strand). Cytogenetic location: 9p21.3.
Variant type: single nucleotide variant.
Coding change: c.494+4A>G on transcript NM_001375567.1 (MANE Select); 4 bases into the intron after coding-DNA position 494, A replaced by G.
Molecular consequence: intron variant.
Genome position (GRCh38, 1-based): chr9:20,758,195, A>G. VCF-style: chr9-20758195-A-G. GRCh37 (hg19) VCF-style: chr9-20758194-A-G.
Other names: c.494+4A>G (NM_017794.5, NM_001375568.1); c.389+4A>G (NM_001375570.1).
Identifiers: ClinVar variation 4804475 (VCV004804475.1).
Genomic context (GRCh38, chr9:20,758,195, plus strand): 5'-TTGCTGGCCAGTGTTTTTGCAGCAGCTGACAGCGTTTTTCCAGCAGTGCCCTGAAAGGTA[A>G]TGTAAAATAAAAGTGTAAAATAAAGTGAGGGAGACAGAATGGTATATGCTAATTTTAGAG-3'

ClinVar aggregate classification (germline): Uncertain significance (1 of 4 stars; one submission).

Submission:

Labcorp Genetics (formerly Invitae), Labcorp
Classification: Uncertain significance. Last evaluated: 2026-01-12. Review status: criteria provided, single submitter. Criteria: Invitae Variant Classification Sherloc (09022015). Collection method: clinical testing. Allele origin: germline.
Comment: This sequence change falls in intron 8 of the FOCAD gene. It does not directly change the encoded amino acid sequence of the FOCAD protein. It affects a nucleotide within the consensus splice site. This variant is not present in population databases (gnomAD no frequency). This variant has not been reported in the literature in individuals affected with FOCAD-related conditions. Variants that disrupt the consensus splice site are a relatively common cause of aberrant splicing (PMID: 17576681, 9536098). Algorithms developed to predict the effect of sequence changes on RNA splicing suggest that this variant is not likely to affect RNA splicing. In summary, the available evidence is currently insufficient to determine the role of this variant in disease. Therefore, it has been classified as a Variant of Uncertain Significance.

Literature cited by the submitters: PubMed 17576681; PubMed 9536098.